The following is an entry in ClinVar:

NM_000051.4(ATM):c.8256C>G (p.Ile2752Met)

Genes: C11orf65 (chromosome 11 open reading frame 65; minus strand), ATM (ATM serine/threonine kinase; plus strand). Cytogenetic location: 11q22.3.
Variant type: single nucleotide variant.
Coding change: c.8256C>G on transcript NM_000051.4 (MANE Select); coding-DNA position 8256, C replaced by G.
Protein change: p.Ile2752Met; replaces isoleucine 2752 with methionine.
Molecular consequence: missense variant. On other transcripts: intron variant (2).
Genome position (GRCh38, 1-based): chr11:108,335,949, C>G. VCF-style: chr11-108335949-C-G. GRCh37 (hg19) VCF-style: chr11-108206676-C-G.
Other names: c.8256C>G, p.Ile2752Met (NM_001351834.2); c.641-26878G>C (NM_001330368.2); c.695-657G>C (NM_001351110.2); short protein forms I2752M.
Identifiers: ClinVar variation 453725 (VCV000453725.10), dbSNP rs1555128574, ClinGen allele CA382562679.
Genomic context (GRCh38, chr11:108,335,949, plus strand): 5'-CCAGATGTGTAATACATTACTGCAGAGAAACACGGAAACTAGGAAGAGGAAATTAACTAT[C>G]TGTACTTATAAGGTAACTATTTGTACTTCTGTTAGTTCACCAAAAACATATAAAAGATGC-3'
Protein context (NP_000042.3, residues 2742-2762): NTETRKRKLT[Ile2752Met]CTYKVVPLSQ

ClinVar aggregate classification (germline): Uncertain significance. Review status: criteria provided, multiple submitters, no conflicts (2 of 4 stars). 2 submissions from 2 submitters: Uncertain significance (2). Last evaluated 2025-05-08.

Conditions:
Hereditary cancer-predisposing syndrome. Also called: Neoplastic Syndromes, Hereditary; Hereditary Cancer Syndrome; Tumor predisposition; Hereditary neoplastic syndrome. Identifiers: Orphanet 140162, MedGen C0027672, MeSH D009386, MONDO:0015356.
Ataxia-telangiectasia syndrome (AT). Also called: LOUIS-BAR SYNDROME; Cerebello-oculocutaneous telangiectasia; Immunodeficiency with ataxia telangiectasia; Ataxia-telangiectasia, complementation group D; AT, COMPLEMENTATION GROUP C; Ataxia-telangiectasia, complementation group E. Identifiers: Orphanet 100, MedGen C0004135, MONDO:0008840, OMIM 208900.

Submissions (2):

Ambry Genetics
Classification: Uncertain significance for Hereditary cancer-predisposing syndrome. Last evaluated: 2025-05-08. Review status: criteria provided, single submitter. Criteria: Ambry Variant Classification Scheme 2023. Collection method: clinical testing. Allele origin: germline.
Comment: The p.I2752M variant (also known as c.8256C>G), located in coding exon 55 of the ATM gene, results from a C to G substitution at nucleotide position 8256. The isoleucine at codon 2752 is replaced by methionine, an amino acid with highly similar properties. This amino acid position is conserved. In addition, this alteration is predicted to be deleterious by in silico analysis. Based on the available evidence, the clinical significance of this variant remains unclear.

Labcorp Genetics (formerly Invitae), Labcorp
Classification: Uncertain significance for Ataxia-telangiectasia syndrome. Last evaluated: 2022-09-19. Review status: criteria provided, single submitter. Criteria: Invitae Variant Classification Sherloc (09022015). Collection method: clinical testing. Allele origin: germline.
Comment: This sequence change replaces isoleucine, which is neutral and non-polar, with methionine, which is neutral and non-polar, at codon 2752 of the ATM protein (p.Ile2752Met). This variant is not present in population databases (gnomAD no frequency). This variant has not been reported in the literature in individuals affected with ATM-related conditions. ClinVar contains an entry for this variant (Variation ID: 453725). Algorithms developed to predict the effect of missense changes on protein structure and function are either unavailable or do not agree on the potential impact of this missense change (SIFT: "Deleterious"; PolyPhen-2: "Probably Damaging"; Align-GVGD: "Class C0"). In summary, the available evidence is currently insufficient to determine the role of this variant in disease. Therefore, it has been classified as a Variant of Uncertain Significance.